The following is an entry in ClinVar:

ClinVar aggregate classification (germline): Likely benign (1 of 4 stars; one submission).

Allele frequency attached by ClinVar (database versions not stated): TOPMed 0.00001.
gnomAD v4.1: 2 of 1,613,278 alleles (0.00012%); highest among the groups gnomAD compares: Non-Finnish European, 0.000085%; no homozygotes.

Submission:

Laboratory for Molecular Medicine, Mass General Brigham Personalized Medicine
Classification: Likely benign. Last evaluated: 2013-08-23. Review status: criteria provided, single submitter. Criteria: LMM Criteria. Collection method: clinical testing. Allele origin: germline. Observed: 1 variant allele.
Comment: Ala3706Ala in exon 47 of TTN: This variant is not expected to have clinical sign ificance because it does not alter an amino acid residue and is not located with in the splice consensus sequence. Ala3706Ala in exon 47 of TTN (allele frequenc y = n/a)

NM_001267550.2(TTN):c.14850C>G (p.Ala4950=)

Gene: TTN (titin; minus strand). Cytogenetic location: 2q31.2.
Variant type: single nucleotide variant.
Coding change: c.14850C>G on transcript NM_001267550.2 (MANE Select); coding-DNA position 14850, C replaced by G.
Protein change: p.Ala4950=; no amino-acid change (alanine 4950 retained).
Molecular consequence: synonymous variant. On other transcripts: intron variant (3).
Genome position (GRCh38, 1-based): chr2:178,735,596, G>C on the plus strand (C>G on the coding strand, the complement: TTN is on the minus strand). VCF-style: chr2-178735596-G-C. GRCh37 (hg19) VCF-style: chr2-179600323-G-C.
Other names: c.13899C>G, p.Ala4633= (NM_001256850.1); c.13282+2486C>G (NM_003319.4); c.13858+2486C>G (NM_133437.4); c.13657+2486C>G (NM_133432.3); c.11118C>G, p.Ala3706= (NM_133378.4).
Identifiers: ClinVar variation 179194 (VCV000179194.5), dbSNP rs376339761, ClinGen allele CA183928.